The following is an entry in ClinVar:

ClinVar aggregate classification (germline): Uncertain significance (1 of 4 stars; one submission).

Conditions:
Inborn genetic diseases. Identifiers: MedGen C0950123, MeSH D030342.

Submission:

Ambry Genetics
Classification: Uncertain significance for Inborn genetic diseases. Last evaluated: 2025-11-05. Review status: criteria provided, single submitter. Criteria: Ambry Variant Classification Scheme 2023. Collection method: clinical testing. Allele origin: germline.
Comment: The p.M1024I variant (also known as c.3072G>A), located in coding exon 32 of the FANCA gene, results from a G to A substitution at nucleotide position 3072. The methionine at codon 1024 is replaced by isoleucine, an amino acid with highly similar properties. This amino acid position is conserved. In addition, this alteration is predicted to be tolerated by in silico analysis. Based on the available evidence, the clinical significance of this variant remains unclear.

NM_000135.4(FANCA):c.3072G>A (p.Met1024Ile)

Gene: FANCA (FA complementation group A; minus strand). Cytogenetic location: 16q24.3.
Variant type: single nucleotide variant.
Coding change: c.3072G>A on transcript NM_000135.4 (MANE Select); coding-DNA position 3072, G replaced by A.
Protein change: p.Met1024Ile; replaces methionine 1024 with isoleucine.
Molecular consequence: missense variant.
Genome position (GRCh38, 1-based): chr16:89,749,897, C>T on the plus strand (G>A on the coding strand, the complement: FANCA is on the minus strand). VCF-style: chr16-89749897-C-T. GRCh37 (hg19) VCF-style: chr16-89816305-C-T.
Other names: c.3072G>A, p.Met1024Ile (NM_001286167.3); short protein forms M1024I.
Identifiers: ClinVar variation 4619249 (VCV004619249.1).